The following is an entry in ClinVar:

NM_005476.7(GNE):c.721A>C (p.Ile241Leu)

Gene: GNE (glucosamine (UDP-N-acetyl)-2-epimerase/N-acetylmannosamine kinase; minus strand). Cytogenetic location: 9p13.3.
Variant type: single nucleotide variant.
Coding change: c.721A>C on transcript NM_005476.7 (MANE Select); coding-DNA position 721, A replaced by C.
Protein change: p.Ile241Leu; replaces isoleucine 241 with leucine.
Molecular consequence: missense variant. On other transcripts: intron variant (2).
Genome position (GRCh38, 1-based): chr9:36,236,880, T>G on the plus strand (A>C on the coding strand, the complement: GNE is on the minus strand). VCF-style: chr9-36236880-T-G. GRCh37 (hg19) VCF-style: chr9-36236877-T-G.
Other names: c.814A>C, p.Ile272Leu (NM_001128227.3); c.721A>C, p.Ile241Leu (NM_001190383.3); c.544A>C, p.Ile182Leu (NM_001190388.2, NM_001374798.1); c.440-2748A>C (NM_001190384.3); c.617-2748A>C (NM_001374797.1); short protein forms I241L, I272L, I182L.
Identifiers: ClinVar variation 1469779 (VCV001469779.3), dbSNP rs763729254, ClinGen allele CA5056675.
Genomic context (GRCh38, chr9:36,236,880, plus strand): 5'-AAGTTCAATTACCTGCGTCAATATTTGGAAACAGGACTAGGGTCCGCTTGTTAAATGAGA[T>G]AAGTGCATCCAATGTTAATTCAAACATTTTTATGGAATGCTTAATGTCAGTGGTCACAGG-3'
Protein context (NP_005467.1, residues 231-251): KMFELTLDAL[Ile241Leu]SFNKRTLVLF

ClinVar aggregate classification (germline): Uncertain significance (1 of 4 stars; one submission).

Conditions:
GNE myopathy (NM). Also called: MYOPATHY, DISTAL, WITH OR WITHOUT RIMMED VACUOLES; IBM 2; Inclusion body myopathy autosomal recessive; Inclusion body myopathy quadriceps sparing; NONAKA DISTAL MYOPATHY; INCLUSION BODY MYOPATHY, HEREDITARY, AUTOSOMAL RECESSIVE. Identifiers: Orphanet 602, MedGen C1853926, MONDO:0011603, OMIM 605820.
Sialuria. Also called: Sialic Acid Storage Disease; SIALURIA, FRENCH TYPE. Identifiers: Orphanet 3166, MedGen C0342853, MONDO:0010028, OMIM 269921.

Allele frequency attached by ClinVar (database versions not stated): gnomAD exomes below 0.00001 and 0.00002; ExAC 0.00001.
gnomAD v4.1: 25 of 1,613,554 alleles (0.0015%); highest among the groups gnomAD compares: Non-Finnish European, 0.002%; no homozygotes.

Submission:

Labcorp Genetics (formerly Invitae), Labcorp
Classification: Uncertain significance for Sialuria; GNE myopathy. Last evaluated: 2021-12-31. Review status: criteria provided, single submitter. Criteria: Invitae Variant Classification Sherloc (09022015). Collection method: clinical testing. Allele origin: germline.
Comment: This sequence change replaces isoleucine, which is neutral and non-polar, with leucine, which is neutral and non-polar, at codon 272 of the GNE protein (p.Ile272Leu). This variant is present in population databases (rs763729254, gnomAD 0.0009%). This variant has not been reported in the literature in individuals affected with GNE-related conditions. Algorithms developed to predict the effect of missense changes on protein structure and function (SIFT, PolyPhen-2, Align-GVGD) all suggest that this variant is likely to be tolerated. This variant disrupts the p.Ile272 amino acid residue in GNE. Other variant(s) that disrupt this residue have been determined to be pathogenic (PMID: 15834044, 17098358). This suggests that this residue is clinically significant, and that variants that disrupt this residue are likely to be disease-causing. In summary, the available evidence is currently insufficient to determine the role of this variant in disease. Therefore, it has been classified as a Variant of Uncertain Significance.

Literature cited by the submitters: PubMed 15834044; PubMed 17098358.